The following is an entry in ClinVar:

ClinVar aggregate classification (germline): Uncertain significance (1 of 4 stars; one submission).

Allele frequency attached by ClinVar (database versions not stated): gnomAD exomes below 0.00001.
gnomAD v4.1: 1 of 1,613,500 alleles (0.000062%); highest among the groups gnomAD compares: Non-Finnish European, 0.000085%; no homozygotes.

Submission:

Labcorp Genetics (formerly Invitae), Labcorp
Classification: Uncertain significance. Last evaluated: 2022-02-19. Review status: criteria provided, single submitter. Criteria: Invitae Variant Classification Sherloc (09022015). Collection method: clinical testing. Allele origin: germline.
Comment: This sequence change replaces valine, which is neutral and non-polar, with methionine, which is neutral and non-polar, at codon 168 of the CHRM2 protein (p.Val168Met). This variant is not present in population databases (gnomAD no frequency). This variant has not been reported in the literature in individuals affected with CHRM2-related conditions. Algorithms developed to predict the effect of missense changes on protein structure and function are either unavailable or do not agree on the potential impact of this missense change (SIFT: "Tolerated"; PolyPhen-2: "Possibly Damaging"; Align-GVGD: "Class C0"). In summary, the available evidence is currently insufficient to determine the role of this variant in disease. Therefore, it has been classified as a Variant of Uncertain Significance.

NM_001006630.2(CHRM2):c.502G>A (p.Val168Met)

Genes: CHRM2 (cholinergic receptor muscarinic 2; plus strand), LOC349160 (uncharacterized LOC349160; minus strand). Cytogenetic location: 7q33.
Variant type: single nucleotide variant.
Coding change: c.502G>A on transcript NM_001006630.2 (MANE Select); coding-DNA position 502, G replaced by A.
Protein change: p.Val168Met; replaces valine 168 with methionine.
Molecular consequence: missense variant.
Genome position (GRCh38, 1-based): chr7:137,015,367, G>A. VCF-style: chr7-137015367-G-A. GRCh37 (hg19) VCF-style: chr7-136700114-G-A.
Other names: c.502G>A, p.Val168Met (NM_000739.3, NM_001006626.3, NM_001006627.3 and 6 more transcripts); short protein forms V168M.
Identifiers: ClinVar variation 2165608 (VCV002165608.4), dbSNP rs2536206094, ClinGen allele CA369486642.